The following is an entry in ClinVar:

ClinVar aggregate classification (germline): Uncertain significance (1 of 4 stars; one submission).

Conditions:
Meckel-Gruber syndrome. Also called: DYSENCEPHALIA SPLANCHNOCYSTICA; GRUBER SYNDROME; Dysencephalia splachnocystica. Identifiers: Orphanet 564, MedGen C0265215, MONDO:0018921.
Joubert syndrome. Also called: CEREBELLOPARENCHYMAL DISORDER IV; JOUBERT-BOLTSHAUSER SYNDROME; Familial aplasia of the vermis. Identifiers: Orphanet 475, MedGen C5979921, MONDO:0018772.

Submission:

Labcorp Genetics (formerly Invitae), Labcorp
Classification: Uncertain significance for Joubert syndrome; Meckel-Gruber syndrome. Last evaluated: 2022-03-09. Review status: criteria provided, single submitter. Criteria: Invitae Variant Classification Sherloc (09022015). Collection method: clinical testing. Allele origin: germline.
Comment: This sequence change falls in intron 15 of the TMEM67 gene. It does not directly change the encoded amino acid sequence of the TMEM67 protein. It affects a nucleotide within the consensus splice site. This variant is not present in population databases (gnomAD no frequency). This variant has not been reported in the literature in individuals affected with TMEM67-related conditions. Variants that disrupt the consensus splice site are a relatively common cause of aberrant splicing (PMID: 17576681, 9536098). Algorithms developed to predict the effect of sequence changes on RNA splicing suggest that this variant may create or strengthen a splice site. In summary, the available evidence is currently insufficient to determine the role of this variant in disease. Therefore, it has been classified as a Variant of Uncertain Significance.

Literature cited by the submitters: PubMed 17576681; PubMed 9536098.

NM_153704.6(TMEM67):c.1575+6T>G

Gene: TMEM67 (transmembrane protein 67; plus strand). Cytogenetic location: 8q22.1.
Variant type: single nucleotide variant.
Coding change: c.1575+6T>G on transcript NM_153704.6 (MANE Select); 6 bases into the intron after coding-DNA position 1575, T replaced by G.
Molecular consequence: intron variant.
Genome position (GRCh38, 1-based): chr8:93,791,325, T>G. VCF-style: chr8-93791325-T-G. GRCh37 (hg19) VCF-style: chr8-94803553-T-G.
Other names: c.1332+6T>G (NM_001142301.1).
Identifiers: ClinVar variation 1463609 (VCV001463609.3), dbSNP rs2130711420, ClinGen allele CA2573143470.